The following is an entry in ClinVar:

NM_014846.4(WASHC5):c.2238G>A (p.Ala746=)

Gene: WASHC5 (WASH complex subunit 5; minus strand). Cytogenetic location: 8q24.13.
Variant type: single nucleotide variant.
Coding change: c.2238G>A on transcript NM_014846.4 (MANE Select); coding-DNA position 2238, G replaced by A.
Protein change: p.Ala746=; no amino-acid change (alanine 746 retained).
Molecular consequence: synonymous variant.
Genome position (GRCh38, 1-based): chr8:125,049,147, C>T on the plus strand (G>A on the coding strand, the complement: WASHC5 is on the minus strand). VCF-style: chr8-125049147-C-T. GRCh37 (hg19) VCF-style: chr8-126061389-C-T.
Other names: c.1794G>A, p.Ala598= (NM_001330609.2).
Identifiers: ClinVar variation 697848 (VCV000697848.15), dbSNP rs376307168, ClinGen allele CA4873571.

ClinVar aggregate classification (germline): Likely benign. Review status: criteria provided, multiple submitters, no conflicts (2 of 4 stars). 2 submissions from 2 submitters: Likely benign (2). Last evaluated 2026-02-01.

Conditions:
Ritscher-Schinzel syndrome. Also called: CRANIOCEREBELLOCARDIAC DYSPLASIA. Identifiers: Orphanet 7, MedGen C0796137, MONDO:0019078.
Hereditary spastic paraplegia 8 (SPG8). Also called: SPASTIC PARAPLEGIA 8, AUTOSOMAL DOMINANT. Identifiers: Orphanet 100989, MedGen C1863704, MONDO:0011339, OMIM 603563.

Allele frequency attached by ClinVar (database versions not stated): gnomAD 0.00004 and 0.00007; ExAC 0.00007; ESP Exome Variant Server 0.00008; gnomAD exomes 0.00008; TOPMed 0.00008.
gnomAD v4.1: 37 of 1,614,020 alleles (0.0023%); highest among the groups gnomAD compares: Admixed American, 0.04%; no homozygotes.

Submissions (2):

CeGaT Center for Human Genetics Tuebingen
Classification: Likely benign. Last evaluated: 2026-02-01. Review status: criteria provided, single submitter. Criteria: CeGaT Center For Human Genetics Tuebingen Variant Classification Criteria Version 2. Collection method: clinical testing. Allele origin: germline. Affected: yes. Observed: 2 variant alleles.
Comment: WASHC5: BP4, BP7

Labcorp Genetics (formerly Invitae), Labcorp
Classification: Likely benign for Ritscher-Schinzel syndrome; Hereditary spastic paraplegia 8. Last evaluated: 2024-11-30. Review status: criteria provided, single submitter. Criteria: Invitae Variant Classification Sherloc (09022015). Collection method: clinical testing. Allele origin: germline.